The following is an entry in ClinVar:

NM_018206.6(VPS35):c.945A>T (p.Gly315=)

Gene: VPS35 (VPS35 retromer complex component; minus strand). Cytogenetic location: 16q11.2.
Variant type: single nucleotide variant.
Coding change: c.945A>T on transcript NM_018206.6 (MANE Select); coding-DNA position 945, A replaced by T.
Protein change: p.Gly315=; no amino-acid change (glycine 315 retained).
Molecular consequence: synonymous variant.
Genome position (GRCh38, 1-based): chr16:46,674,630, T>A on the plus strand (A>T on the coding strand, the complement: VPS35 is on the minus strand). VCF-style: chr16-46674630-T-A. GRCh37 (hg19) VCF-style: chr16-46708542-T-A.
Identifiers: ClinVar variation 539748 (VCV000539748.48), dbSNP rs144346159, ClinGen allele CA8036924.
Genomic context (GRCh38, chr16:46,674,630, plus strand): 5'-CACTGTAGCCACCTGCTGTGAAAATATATCAAAAAGTTTAATATCCGCTGGGATTCCAGG[T>A]CCATCTTCACGGTGAGCAAATAAAGCTAATCTAAAAAAAAAAAAAACACCCCTTTATTTT-3'
Protein context (NP_060676.2, residues 305-325): RLALFAHRED[Gly315=]PGIPADIKLF

ClinVar aggregate classification (germline): Likely benign. Review status: criteria provided, multiple submitters, no conflicts (2 of 4 stars). 3 submissions from 3 submitters: Likely benign (3). Last evaluated 2025-06-19.

Conditions:
Parkinson disease 17 (PARK17). Also called: VPS35-Related Parkinson Disease. Identifiers: Orphanet 411602, MedGen C3280133, MONDO:0013625, OMIM 614203.

Allele frequency attached by ClinVar (database versions not stated): gnomAD exomes 0.00017 and 0.00032; ExAC 0.00021; ESP Exome Variant Server 0.00023; 1000 Genomes Project 0.00040; gnomAD 0.00023 and 0.00024; TOPMed 0.00023; 1000 Genomes Project 30x 0.00031.
gnomAD v4.1: 515 of 1,610,926 alleles (0.032%); highest among the groups gnomAD compares: Non-Finnish European, 0.04%; no homozygotes.

Submissions (3):

Labcorp Genetics (formerly Invitae), Labcorp
Classification: Likely benign for Parkinson disease 17. Last evaluated: 2025-06-19. Review status: criteria provided, single submitter. Criteria: Invitae Variant Classification Sherloc (09022015). Collection method: clinical testing. Allele origin: germline.

CeGaT Center for Human Genetics Tuebingen
Classification: Likely benign. Last evaluated: 2021-10-01. Review status: criteria provided, single submitter. Criteria: CeGaT Center For Human Genetics Tuebingen Variant Classification Criteria Version 2. Collection method: clinical testing. Allele origin: germline. Affected: yes. Observed: 1 variant allele.

Illumina Laboratory Services, Illumina
Classification: Likely benign for Parkinson disease 17. Last evaluated: 2018-01-12. Review status: criteria provided, single submitter. Criteria: ICSL Variant Classification Criteria 13 December 2019. Collection method: clinical testing. Allele origin: germline.
Comment: This variant was observed in the ICSL laboratory as part of a predisposition screen in an ostensibly healthy population. It had not been previously curated by ICSL or reported in the Human Gene Mutation Database (HGMD: prior to June 1st, 2018), and was therefore a candidate for classification through an automated scoring system. Utilizing variant allele frequency, disease prevalence and penetrance estimates, and inheritance mode, an automated score was calculated to assess if this variant is too frequent to cause the disease. Based on the score and internal cut-off values, a variant classified as likely benign is not then subjected to further curation. The score for this variant resulted in a classification of likely benign for this disease.